The following is an entry in ClinVar:

ClinVar aggregate classification (germline): Uncertain significance. Review status: criteria provided, multiple submitters, no conflicts (2 of 4 stars). 2 submissions from 2 submitters: Uncertain significance (2). Last evaluated 2024-11-19.

Allele frequency attached by ClinVar (database versions not stated): gnomAD 0.00001; TOPMed 0.00001; ExAC 0.00002; gnomAD exomes 0.00002.
gnomAD v4.1: 33 of 1,613,414 alleles (0.002%); highest among the groups gnomAD compares: African/African-American, 0.004%; no homozygotes.

Submissions (2):

Labcorp Genetics (formerly Invitae), Labcorp
Classification: Uncertain significance. Last evaluated: 2024-11-19. Review status: criteria provided, single submitter. Criteria: Invitae Variant Classification Sherloc (09022015). Collection method: clinical testing. Allele origin: germline.
Comment: This sequence change replaces arginine, which is basic and polar, with cysteine, which is neutral and slightly polar, at codon 25 of the PCK2 protein (p.Arg25Cys). This variant is present in population databases (rs769558514, gnomAD 0.005%). This variant has not been reported in the literature in individuals affected with PCK2-related conditions. ClinVar contains an entry for this variant (Variation ID: 3210243). An algorithm developed to predict the effect of missense changes on protein structure and function outputs the following: PolyPhen-2: "Benign". The cysteine amino acid residue is found in multiple mammalian species, which suggests that this missense change does not adversely affect protein function. In summary, the available evidence is currently insufficient to determine the role of this variant in disease. Therefore, it has been classified as a Variant of Uncertain Significance.

Ambry Genetics
Classification: Uncertain significance. Last evaluated: 2023-12-15. Review status: criteria provided, single submitter. Criteria: Ambry Variant Classification Scheme 2023. Collection method: clinical testing. Allele origin: germline.

NM_004563.4(PCK2):c.73C>T (p.Arg25Cys)

Genes: NRL (neural retina leucine zipper; minus strand), PCK2 (phosphoenolpyruvate carboxykinase 2, mitochondrial; plus strand). Cytogenetic location: 14q11.2.
Variant type: single nucleotide variant.
Coding change: c.73C>T on transcript NM_004563.4 (MANE Select); coding-DNA position 73, C replaced by T.
Protein change: p.Arg25Cys; replaces arginine 25 with cysteine.
Molecular consequence: missense variant. On other transcripts: 5 prime UTR variant (1), intron variant (4).
Genome position (GRCh38, 1-based): chr14:24,096,935, C>T. VCF-style: chr14-24096935-C-T. GRCh37 (hg19) VCF-style: chr14-24566144-C-T.
Other names: c.73C>T, p.Arg25Cys (NM_001018073.3); c.-330C>T (NM_001308054.2); c.-27-14060G>A (NM_001354768.3, NM_001354770.2); c.-253-12190G>A (NM_006177.5); c.-127-1268C>T (NM_001291556.2); short protein forms R25C.
Identifiers: ClinVar variation 3210243 (VCV003210243.3), dbSNP rs769558514, ClinGen allele CA7123014.